The following is an entry in ClinVar:

NM_000552.5(VWF):c.3584A>G (p.Asp1195Gly)

Gene: VWF (von Willebrand factor; minus strand). Cytogenetic location: 12p13.31.
Variant type: single nucleotide variant.
Coding change: c.3584A>G on transcript NM_000552.5 (MANE Select); coding-DNA position 3584, A replaced by G.
Protein change: p.Asp1195Gly; replaces aspartic acid 1195 with glycine.
Molecular consequence: missense variant.
Genome position (GRCh38, 1-based): chr12:6,021,990, T>C on the plus strand (A>G on the coding strand, the complement: VWF is on the minus strand). VCF-style: chr12-6021990-T-C. GRCh37 (hg19) VCF-style: chr12-6131156-T-C.
Other names: c.3584A>G (NM_000552.3); short protein forms D1195G.
Identifiers: ClinVar variation 3766755 (VCV003766755.2).

ClinVar aggregate classification (germline): Uncertain significance. Review status: criteria provided, multiple submitters, no conflicts (2 of 4 stars). 2 submissions from 2 submitters: Uncertain significance (2). Last evaluated 2026-01-17.

Submissions (2):

GeneDx
Classification: Uncertain significance. Last evaluated: 2026-01-17. Review status: criteria provided, single submitter. Criteria: GeneDx Variant Classification Process June 2021. Collection method: clinical testing. Allele origin: germline.
Comment: Not observed at significant frequency in large population cohorts (gnomAD); In silico analysis suggests that this missense variant does not alter protein structure/function; Has not been previously published as pathogenic or benign to our knowledge

ARUP Laboratories, Molecular Genetics and Genomics, ARUP Laboratories
Classification: Uncertain significance. Last evaluated: 2024-07-31. Review status: criteria provided, single submitter. Criteria: ARUP Molecular Germline Variant Investigation Process 2024. Collection method: clinical testing. Allele origin: germline.
Comment: The VWF c.3584A>G; p.Asp1195Gly variant, to our knowledge, is not reported in the medical literature or gene specific databases. This variant is also absent from the Genome Aggregation Database (v2.1.1), indicating it is not a common polymorphism. Computational analyses predict that this variant is deleterious (REVEL: 0.74). Additionally, another variant at this codon (c.3583G>T, p.Asp1195Tyr) has been reported in an individual with Von Willebrand disease 2a and is considered to be disease causing (Schneppenheim 2010). However, given the lack of clinical and functional data, the significance of this variant is uncertain at this time. References: Schneppenheim R et al. A cluster of mutations in the D3 domain of von Willebrand factor correlates with a distinct subgroup of von Willebrand disease: type 2A/IIE. Blood. 2010 Jun 10;115(23):4894-901. PMID: 20351307.